The following is an entry in ClinVar:

NM_007217.4(PDCD10):c.474+5G>A

Gene: PDCD10 (programmed cell death 10; minus strand). Cytogenetic location: 3q26.1.
Variant type: single nucleotide variant.
Coding change: c.474+5G>A on transcript NM_007217.4 (MANE Select); 5 bases into the intron after coding-DNA position 474, G replaced by A.
Molecular consequence: intron variant.
Genome position (GRCh38, 1-based): chr3:167,687,610, C>T on the plus strand (G>A on the coding strand, the complement: PDCD10 is on the minus strand). VCF-style: chr3-167687610-C-T. GRCh37 (hg19) VCF-style: chr3-167405398-C-T.
Other names: c.474+5G>A (NM_145860.2, NM_145859.2).
Identifiers: ClinVar variation 468331 (VCV000468331.13), dbSNP rs1553759139, ClinGen allele CA658657344.

ClinVar aggregate classification (germline): Pathogenic/Likely pathogenic. Review status: criteria provided, multiple submitters, no conflicts (2 of 4 stars). 7 submissions from 7 submitters: Pathogenic (5); Likely pathogenic (1). 1 of the submissions does not count toward it. Last evaluated 2023-10-24.

Conditions:
Cerebral arteriovenous malformation (BAVM). Also called: Arteriovenous malformations of the brain; CEREBRAL ARTERIOVENOUS MALFORMATIONS. Identifiers: Orphanet 46724, MedGen C0917804, MONDO:0007154, OMIM 108010, HP:0002408.
Seizure. Also called: Seizures. Identifiers: MedGen C0036572, HP:0001250.
Hemiparesis. Identifiers: MedGen C0018989, HP:0001269.
Cavernous hemangioma. Identifiers: MedGen C0018920, MONDO:0003155, HP:0001048.
Cerebral cavernous malformation 3. Also called: Familial Cerebral Cavernous Malformation 3. Identifiers: Orphanet 221061, MedGen C1864040, MONDO:0011305, OMIM 603285.
PDCD10-related disorder. Also called: PDCD10-related condition.
Hereditary cavernous hemangioma of brain. Also called: Famililal cerebral cavernous malformations. Identifiers: Orphanet 221061, MedGen C2931263, MONDO:0031037.

Allele frequency attached by ClinVar (database versions not stated): gnomAD 0.00001.

Submissions (7):

Institute of Medical Genetics and Applied Genomics, University Hospital Tübingen
Classification: Pathogenic for Hereditary cavernous hemangioma of brain. Last evaluated: 2023-10-24. Review status: criteria provided, single submitter. Criteria: ACMG Guidelines, 2015. Collection method: clinical testing. Allele origin: germline. Inheritance: Autosomal dominant inheritance. Affected: yes.

Labcorp Genetics (formerly Invitae), Labcorp
Classification: Pathogenic for Cerebral cavernous malformation 3. Last evaluated: 2023-09-10. Review status: criteria provided, single submitter. Criteria: Invitae Variant Classification Sherloc (09022015). Collection method: clinical testing. Allele origin: germline.
Comment: For these reasons, this variant has been classified as Pathogenic. Variants that disrupt the consensus splice site are a relatively common cause of aberrant splicing (PMID: 17576681, 9536098). Algorithms developed to predict the effect of sequence changes on RNA splicing suggest that this variant may disrupt the consensus splice site. ClinVar contains an entry for this variant (Variation ID: 468331). This variant has been observed in individual(s) with cerebral cavernous malformation (PMID: 16329096, 24466005, 25122144). In at least one individual the variant was observed to be de novo. This variant is not present in population databases (gnomAD no frequency). This sequence change falls in intron 6 of the PDCD10 gene. It does not directly change the encoded amino acid sequence of the PDCD10 protein. It affects a nucleotide within the consensus splice site.

GeneDx
Classification: Pathogenic. Last evaluated: 2022-07-13. Review status: criteria provided, single submitter. Criteria: GeneDx Variant Classification Process June 2021. Collection method: clinical testing. Allele origin: germline. Affected: yes.
Comment: Non-canonical splice site variant demonstrated to result in loss-of-function (Liquori CL, 2006); Not observed at significant frequency in large population cohorts (gnomAD); This variant is associated with the following publications: (PMID: 25525159, 28116327, 30904992, 24466005, 25122144, 16329096)

Blueprint Genetics
Classification: Pathogenic for PDCD10-related disorders. Last evaluated: 2022-06-16. Review status: criteria provided, single submitter. Criteria: ACMG Guidelines, 2015. Collection method: clinical testing. Allele origin: germline. Affected: yes. Observed: 1 variant allele.

Centre for Mendelian Genomics, University Medical Centre Ljubljana
Classification: Likely pathogenic for Cavernous hemangioma; Cerebral arteriovenous malformation; Hemiparesis; Seizure. Last evaluated: 2017-01-01. Review status: criteria provided, single submitter. Criteria: ACMG Guidelines, 2015. Collection method: clinical testing. Allele origin: unknown. Affected: yes.

PreventionGenetics, part of Exact Sciences
Classification: Pathogenic. Last evaluated: 2016-11-21. Review status: criteria provided, single submitter. Criteria: ACMG Guidelines, 2015. Collection method: clinical testing. Allele origin: germline.

Baylor Genetics
Classification: Pathogenic for Cerebral cavernous malformation 3. Last evaluated: 2018-11-23. Review status: no assertion criteria provided. Collection method: clinical testing. Allele origin: de novo. Affected: yes. Not counted in ClinVar's aggregate classification.

Literature cited by the submitters: PubMed 17576681 (cited by Labcorp Genetics (formerly Invitae), Labcorp); PubMed 9536098 (cited by Labcorp Genetics (formerly Invitae), Labcorp); PubMed 16329096 (cited by Labcorp Genetics (formerly Invitae), Labcorp); PubMed 24466005 (cited by Labcorp Genetics (formerly Invitae), Labcorp); PubMed 25122144 (cited by Labcorp Genetics (formerly Invitae), Labcorp).